The following is an entry in ClinVar:

NM_004984.4(KIF5A):c.2810G>A (p.Gly937Asp)

Gene: KIF5A (kinesin family member 5A; plus strand). Cytogenetic location: 12q13.3.
Variant type: single nucleotide variant.
Coding change: c.2810G>A on transcript NM_004984.4 (MANE Select); coding-DNA position 2810, G replaced by A.
Protein change: p.Gly937Asp; replaces glycine 937 with aspartic acid.
Molecular consequence: missense variant.
Genome position (GRCh38, 1-based): chr12:57,581,469, G>A. VCF-style: chr12-57581469-G-A. GRCh37 (hg19) VCF-style: chr12-57975252-G-A.
Other names: c.2543G>A, p.Gly848Asp (NM_001354705.2); short protein forms G937D, G848D.
Identifiers: ClinVar variation 1938661 (VCV001938661.5), dbSNP rs2540515513, ClinGen allele CA385515756.

ClinVar aggregate classification (germline): Uncertain significance (1 of 4 stars; one submission).

Conditions:
Spastic paraplegia. Identifiers: MedGen C0037772, HP:0001258.

Submission:

Labcorp Genetics (formerly Invitae), Labcorp
Classification: Uncertain significance for Spastic paraplegia. Last evaluated: 2022-03-15. Review status: criteria provided, single submitter. Criteria: Invitae Variant Classification Sherloc (09022015). Collection method: clinical testing. Allele origin: germline.
Comment: This sequence change replaces glycine, which is neutral and non-polar, with aspartic acid, which is acidic and polar, at codon 937 of the KIF5A protein (p.Gly937Asp). This variant is not present in population databases (gnomAD no frequency). This variant has not been reported in the literature in individuals affected with KIF5A-related conditions. Advanced modeling of protein sequence and biophysical properties (such as structural, functional, and spatial information, amino acid conservation, physicochemical variation, residue mobility, and thermodynamic stability) performed at Invitae indicates that this missense variant is not expected to disrupt KIF5A protein function. In summary, the available evidence is currently insufficient to determine the role of this variant in disease. Therefore, it has been classified as a Variant of Uncertain Significance.